The following is an entry in ClinVar:

NM_001368809.2(AMPD2):c.175C>T (p.Leu59Phe)

Gene: AMPD2 (adenosine monophosphate deaminase 2; plus strand). Cytogenetic location: 1p13.3.
Variant type: single nucleotide variant.
Coding change: c.175C>T on transcript NM_001368809.2 (MANE Select); coding-DNA position 175, C replaced by T.
Protein change: p.Leu59Phe; replaces leucine 59 with phenylalanine.
Molecular consequence: missense variant. On other transcripts: 5 prime UTR variant (1), intron variant (1).
Genome position (GRCh38, 1-based): chr1:109,625,386, C>T. VCF-style: chr1-109625386-C-T. GRCh37 (hg19) VCF-style: chr1-110168008-C-T.
Other names: c.-18C>T (NM_001257361.2); c.175C>T, p.Leu59Phe (NM_004037.9); c.94C>T, p.Leu32Phe (NM_139156.4); c.160-276C>T (NM_001308170.1); c.337C>T (NM_004037.6); short protein forms L32F, L59F.
Identifiers: ClinVar variation 1024841 (VCV001024841.7), dbSNP rs766037337, ClinGen allele CA992694.
Genomic context (GRCh38, chr1:109,625,386, plus strand): 5'-CCTCCGCTGCAGTCTGCCCGATCCCTGCCGGGCCCCGCCCCCTGCCTCAAGCACTTCCCG[C>T]TCGACCTGCGCACGTCTATGGATGGCAAATGCAAGGAGATCGCCGAGGTATCACCTGGCA-3'
Protein context (NP_001355738.1, residues 49-69): GPAPCLKHFP[Leu59Phe]DLRTSMDGKC

ClinVar aggregate classification (germline): Uncertain significance. Review status: criteria provided, multiple submitters, no conflicts (2 of 4 stars). 2 submissions from 2 submitters: Uncertain significance (2). Last evaluated 2025-05-26.

Conditions:
Pontocerebellar hypoplasia type 9. Identifiers: Orphanet 369920, MedGen C4014354, MONDO:0014351, OMIM 615809.
Hereditary spastic paraplegia 63. Also called: Spastic paraplegia 63, autosomal recessive. Identifiers: Orphanet 401805, MedGen C3810295, MONDO:0014305, OMIM 615686.
Inborn genetic diseases. Identifiers: MedGen C0950123, MeSH D030342.

Allele frequency attached by ClinVar (database versions not stated): gnomAD exomes 0.00006 and 0.00003; gnomAD 0.00002; ExAC 0.00002; TOPMed 0.00004.
gnomAD v4.1: 87 of 1,613,888 alleles (0.0054%); highest among the groups gnomAD compares: Non-Finnish European, 0.0073%; no homozygotes.

Submissions (2):

Ambry Genetics
Classification: Uncertain significance for Inborn genetic diseases. Last evaluated: 2025-05-26. Review status: criteria provided, single submitter. Criteria: Ambry Variant Classification Scheme 2023. Collection method: clinical testing. Allele origin: germline.

Labcorp Genetics (formerly Invitae), Labcorp
Classification: Uncertain significance for Pontocerebellar hypoplasia type 9; Hereditary spastic paraplegia 63. Last evaluated: 2021-08-31. Review status: criteria provided, single submitter. Criteria: Invitae Variant Classification Sherloc (09022015). Collection method: clinical testing. Allele origin: germline.
Comment: This sequence change replaces leucine with phenylalanine at codon 113 of the AMPD2 protein (p.Leu113Phe). The leucine residue is weakly conserved and there is a small physicochemical difference between leucine and phenylalanine. This variant is present in population databases (rs766037337, ExAC 0.005%). This variant has not been reported in the literature in individuals affected with AMPD2-related conditions. Algorithms developed to predict the effect of missense changes on protein structure and function (SIFT, PolyPhen-2, Align-GVGD) all suggest that this variant is likely to be tolerated. In summary, the available evidence is currently insufficient to determine the role of this variant in disease. Therefore, it has been classified as a Variant of Uncertain Significance.